The following is an entry in ClinVar:

ClinVar aggregate classification (germline): Uncertain significance. Review status: criteria provided, multiple submitters, no conflicts (2 of 4 stars). 5 submissions from 5 submitters: Uncertain significance (5). Last evaluated 2024-07-12.

Conditions:
Inborn genetic diseases. Identifiers: MedGen C0950123, MeSH D030342.
Polycystic kidney disease, adult type (PKD1). Also called: POLYCYSTIC KIDNEY DISEASE 1 WITH OR WITHOUT POLYCYSTIC LIVER DISEASE; POLYCYSTIC KIDNEY DISEASE, ADULT, TYPE I; Polycystic Kidney Disease 1, Autosomal Dominant; Polycystic kidney disease 1; Polycystic kidney disease 1, severe; Polycystic Kidney, Autosomal Dominant. Identifiers: MedGen C3149841, MONDO:0008263, OMIM 173900.

Allele frequency attached by ClinVar (database versions not stated): gnomAD exomes 0.00003 and 0.00004; ExAC 0.00007; 1000 Genomes Project 30x 0.00016; ESP Exome Variant Server 0.00018; 1000 Genomes Project 0.00020; TOPMed 0.00024.
gnomAD v4.1: 64 of 1,591,762 alleles (0.004%); highest among the groups gnomAD compares: African/African-American, 0.048%; no homozygotes.

Submissions (5):

Department of Pathology and Laboratory Medicine, Sinai Health System
Classification: Uncertain significance for Polycystic kidney disease, adult type. Last evaluated: 2024-07-12. Review status: criteria provided, single submitter. Criteria: ACMG Guidelines, 2015. Collection method: clinical testing. Allele origin: germline.

Ambry Genetics
Classification: Uncertain significance for Inborn genetic diseases. Last evaluated: 2023-11-28. Review status: criteria provided, single submitter. Criteria: Ambry Variant Classification Scheme 2023. Collection method: clinical testing. Allele origin: germline.

Fulgent Genetics
Classification: Uncertain significance for Polycystic kidney disease, adult type. Last evaluated: 2021-12-10. Review status: criteria provided, single submitter. Criteria: ACMG Guidelines, 2015. Collection method: clinical testing. Allele origin: unknown.

GeneDx
Classification: Uncertain significance. Last evaluated: 2021-08-10. Review status: criteria provided, single submitter. Criteria: GeneDx Variant Classification Process June 2021. Collection method: clinical testing. Allele origin: germline. Affected: yes.
Comment: In silico analysis supports that this missense variant does not alter protein structure/function; Has not been previously published as pathogenic or benign to our knowledge

Baylor Genetics
Classification: Uncertain significance for Polycystic kidney disease, adult type. Last evaluated: 2019-09-23. Review status: criteria provided, single submitter. Criteria: ACMG Guidelines, 2015. Collection method: clinical testing. Allele origin: unknown. Affected: yes.
Comment: This variant was determined to be of uncertain significance according to ACMG Guidelines, 2015 [PMID:25741868].

NM_001009944.3(PKD1):c.7405C>T (p.Arg2469Cys)

Gene: PKD1 (polycystin 1, transient receptor potential channel interacting; minus strand). Cytogenetic location: 16p13.3.
Variant type: single nucleotide variant.
Coding change: c.7405C>T on transcript NM_001009944.3 (MANE Select); coding-DNA position 7405, C replaced by T.
Protein change: p.Arg2469Cys; replaces arginine 2469 with cysteine.
Molecular consequence: missense variant.
Genome position (GRCh38, 1-based): chr16:2,106,482, G>A on the plus strand (C>T on the coding strand, the complement: PKD1 is on the minus strand). VCF-style: chr16-2106482-G-A. GRCh37 (hg19) VCF-style: chr16-2156483-G-A.
Other names: c.7405C>T (NM_000296.3); c.7405C>T, p.Arg2469Cys (NM_000296.4); short protein forms R2469C.
Identifiers: ClinVar variation 1030956 (VCV001030956.6), dbSNP rs367918229, ClinGen allele CA7831147.